The following is an entry in ClinVar:

NM_000548.5(TSC2):c.3779C>T (p.Thr1260Met)

Gene: TSC2 (TSC complex subunit 2; plus strand). Cytogenetic location: 16p13.3.
Variant type: single nucleotide variant.
Coding change: c.3779C>T on transcript NM_000548.5 (MANE Select); coding-DNA position 3779, C replaced by T.
Protein change: p.Thr1260Met; replaces threonine 1260 with methionine.
Molecular consequence: missense variant.
Genome position (GRCh38, 1-based): chr16:2,081,763, C>T. VCF-style: chr16-2081763-C-T. GRCh37 (hg19) VCF-style: chr16-2131764-C-T.
Other names: c.3647C>T, p.Thr1216Met (NM_001077183.3, NM_001370404.1); c.3779C>T, p.Thr1260Met (NM_001114382.3); c.3539C>T, p.Thr1180Met (NM_001318827.2); c.3503C>T, p.Thr1168Met (NM_001318829.2); c.3047C>T, p.Thr1016Met (NM_001318831.2); c.3680C>T, p.Thr1227Met (NM_001318832.2); c.3650C>T, p.Thr1217Met (NM_001363528.2, NM_001370405.1, NM_021055.3); c.3779C>T (NM_000548.4); short protein forms T1260M, T1227M, T1016M, T1168M, T1216M, T1217M, T1180M.
Identifiers: ClinVar variation 381049 (VCV000381049.27), dbSNP rs776738338, ClinGen allele CA048383.

ClinVar aggregate classification (germline): Conflicting classifications of pathogenicity. Review status: criteria provided, conflicting classifications (1 of 4 stars). 11 submissions from 11 submitters: Uncertain significance (1); Likely benign (10). Last evaluated 2026-01-11.

Conditions:
TSC2-related disorder. Also called: TSC2-related condition; TSC2-Related Disorders.
Hereditary cancer-predisposing syndrome. Also called: Neoplastic Syndromes, Hereditary; Tumor predisposition; Hereditary Cancer Syndrome; Hereditary neoplastic syndrome. Identifiers: Orphanet 140162, MedGen C0027672, MeSH D009386, MONDO:0015356.
Tuberous sclerosis syndrome (TSC). Also called: Tuberous Sclerosis Complex; Tuberous sclerosis. Identifiers: Orphanet 805, MedGen C0041341, MONDO:0001734.
Tuberous sclerosis 2 (TSC2). Identifiers: Orphanet 805, MedGen C1860707, MONDO:0013199, OMIM 613254.

Allele frequency attached by ClinVar (database versions not stated): gnomAD 0.00008 and 0.00007; gnomAD exomes 0.00001 and 0.00002; ExAC 0.00002; TOPMed 0.00006.
gnomAD v4.1: 30 of 1,612,626 alleles (0.0019%); highest among the groups gnomAD compares: African/African-American, 0.016%; no homozygotes.

Submissions (11):

Labcorp Genetics (formerly Invitae), Labcorp
Classification: Likely benign for Tuberous sclerosis 2. Last evaluated: 2026-01-11. Review status: criteria provided, single submitter. Criteria: Invitae Variant Classification Sherloc (09022015). Collection method: clinical testing. Allele origin: germline.

PreventionGenetics, part of Exact Sciences
Classification: Likely benign for TSC2-related condition. Last evaluated: 2026-01-06. Review status: criteria provided, single submitter. Criteria: ACMG Guidelines, 2015. Collection method: clinical testing. Allele origin: germline.
Comment: This variant is classified as likely benign based on ACMG/AMP sequence variant interpretation guidelines (Richards et al. 2015 PMID: 25741868, with internal and published modifications).

Dasa
Classification: Likely benign for Tuberous sclerosis 2. Last evaluated: 2025-05-01. Review status: criteria provided, single submitter. Criteria: DASA Assertion Criteria. Collection method: clinical testing. Allele origin: germline.
Comment: NM_000548.5(TSC2):c.3779C>T (p.Thr1260Met) is a missense variant that results in the substitution of threonine with methionine. This variant has been reported in individuals with Tuberous sclerosis 2 (PMID: 31856217). Multiple computational predictions suggest no deleterious effect on the gene or gene product. The variant is present at low frequency in population datasets. Based on the available data, this variant is classified as likely benign.

All of Us Research Program, National Institutes of Health
Classification: Likely benign for Tuberous sclerosis syndrome. Last evaluated: 2024-09-23. Review status: criteria provided, single submitter. Criteria: ACMG Guidelines, 2015. Collection method: clinical testing. Allele origin: germline. Inheritance: Autosomal dominant inheritance. Observed: 10 variant alleles, 10 heterozygotes.
Comment: This study involves interpretation of variants in research participants for the purpose of population health screening. Participant phenotype was not available at the time of variant classification. Additional details can be found in publication PMID: 35346344, PMCID: PMC8962531

Myriad Genetics, Inc.
Classification: Likely benign for Tuberous sclerosis 2. Last evaluated: 2024-08-16. Review status: criteria provided, single submitter. Criteria: Myriad Autosomal Dominant, Autosomal Recessive and X-Linked Classification Criteria (2023). Collection method: clinical testing. Allele origin: unknown.
Comment: This variant is considered likely benign. This variant has been observed at a population frequency that is significantly greater than expected given the associated disease prevalence and penetrance.

Blueprint Genetics
Classification: Likely benign. Last evaluated: 2024-02-19. Review status: criteria provided, single submitter. Criteria: ACMG Guidelines, 2015. Collection method: clinical testing. Allele origin: germline.

Color Diagnostics, LLC DBA Color Health
Classification: Likely benign for Tuberous sclerosis syndrome. Last evaluated: 2022-08-16. Review status: criteria provided, single submitter. Criteria: ACMG Guidelines, 2015. Collection method: clinical testing. Allele origin: germline.

Ambry Genetics
Classification: Likely benign for Hereditary cancer-predisposing syndrome. Last evaluated: 2022-05-27. Review status: criteria provided, single submitter. Criteria: Ambry Variant Classification Scheme 2023. Collection method: clinical testing. Allele origin: germline.

Sema4
Classification: Uncertain significance for Hereditary cancer-predisposing syndrome. Last evaluated: 2021-12-07. Review status: criteria provided, single submitter. Criteria: Sema4 Curation Guidelines. Collection method: curation. Allele origin: germline.
Comment: The TSC2 c.3779C>T (p.T1260M) variant has been reported in heterozygosity in at least one individual with lymphangioleiomyomatosis (PMID: 31856217). This variant was observed in 3/24812 chromosomes in the African population according to the Genome Aggregation Database (PMID: 32461654), and has been reported in ClinVar (Variation ID: 381049). Functional studies have not been performed, and in silico predictions of the variant's effect on protein function are inconclusive. Based on the current evidence available, this variant is interpreted as a variant of uncertain significance.

Genome-Nilou Lab
Classification: Likely benign for Tuberous sclerosis 2. Last evaluated: 2021-11-07. Review status: criteria provided, single submitter. Criteria: ACMG Guidelines, 2015. Collection method: clinical testing. Allele origin: germline. Affected: no.

GeneDx
Classification: Likely benign. Last evaluated: 2019-04-04. Review status: criteria provided, single submitter. Criteria: GeneDx Variant Classification Process June 2021. Collection method: clinical testing. Allele origin: germline. Affected: yes.
Comment: This variant is associated with the following publications: (PMID: 31856217)

Literature cited by the submitters: PubMed 31856217 (cited by 3 submitters).